The following is an entry in ClinVar:

NM_005629.4(SLC6A8):c.89C>T (p.Ala30Val)

Gene: SLC6A8 (solute carrier family 6 member 8; plus strand). Cytogenetic location: Xq28.
Variant type: single nucleotide variant.
Coding change: c.89C>T on transcript NM_005629.4 (MANE Select); coding-DNA position 89, C replaced by T.
Protein change: p.Ala30Val; replaces alanine 30 with valine.
Molecular consequence: missense variant.
Genome position (GRCh38, 1-based): chrX:153,688,663, C>T. VCF-style: chrX-153688663-C-T. GRCh37 (hg19) VCF-style: chrX-152954118-C-T.
Other names: NM_005629.4(SLC6A8):c.89C>T; p.Ala30Val; c.89C>T, p.Ala30Val (NM_001142805.2); short protein forms A30V.
Identifiers: ClinVar variation 650071 (VCV000650071.10), dbSNP rs782598816, ClinGen allele CA10549150.

ClinVar aggregate classification (germline): Uncertain significance. Review status: reviewed by expert panel (3 of 4 stars). 4 submissions from 4 submitters: Uncertain significance (1). 3 of the submissions do not count toward it. Last evaluated 2022-06-06.

Conditions:
Inborn genetic diseases. Identifiers: MedGen C0950123, MeSH D030342.
Creatine transporter deficiency (CCDS1). Also called: Mental retardation , X-linked with seizures, short stature and midface hypoplasia; Mental retardation , X-linked, with creatine transport deficiency; X-linked creatine transporter deficiency; X-linked creatine deficiency syndrome; SLC6A8-Related Creatine Transporter Deficiency; CREATINE TRANSPORTER DEFECT. Identifiers: Orphanet 52503, MedGen C1845862, MONDO:0010305, OMIM 300352.
Creatine deficiency syndrome 1.

Allele frequency attached by ClinVar (database versions not stated): ExAC below 0.00001; gnomAD 0.00001; gnomAD exomes 0.00001 and 0.00002; TOPMed 0.00005.
gnomAD v4.1: 9 of 1,080,010 alleles (0.00083%); highest among the groups gnomAD compares: South Asian, 0.011%; no homozygotes.

Submissions (4):

ClinGen Cerebral Creatine Deficiency Syndromes Variant Curation Expert Panel, ClinGen
Classification: Uncertain significance for Creatine transporter deficiency. Last evaluated: 2022-06-06. Review status: reviewed by expert panel. Criteria: ClinGen_CCDS_ACMG_Specifications_SLC6A8_v1.1. Collection method: curation. Allele origin: germline. Inheritance: X-linked inheritance.
Comment: The NM_005629.4(SLC6A8):c.89C>T (p.Ala30Val) variant in SLC6A8 is a missense variant predicted to cause substitution of Alanine for Valine at amino acid 30 (p.Ala30Val). In gnomAD v2.1.1, the highest population minor allele frequency is 0.001205 (1/830 alleles) in the European population with 1 hemizygote, which is <0.0002 and >1 hemizygote, therefore PM2_Supporting criteria is not applicable. The computational predictor REVEL gives a score of 0.096 which is below the threshold of 0.25, and does not predict a damaging effect on SLC6A8 function, and SpliceAI predicts no impact on splicing (BP4). This variant has not been previously reported in affected individuals in the literature. There is a ClinVar entry for this variant (Variation ID:650071). In summary, this variant meets the criteria to be classified as a Variant of Uncertain Significance for Creatine Transporter Deficiency based on the ACMG/AMP criteria applied, as specified by the ClinGen Cerebral Creatine Deficiency Syndromes Variant Curation Expert Panel (Specifications Version 1.1.0): BP4. (Classification approved by the ClinGen CCDS VCEP on June 6, 2022).

Labcorp Genetics (formerly Invitae), Labcorp
Classification: Uncertain significance for Creatine transporter deficiency. Last evaluated: 2026-01-28. Review status: criteria provided, single submitter. Criteria: Invitae Variant Classification Sherloc (09022015). Collection method: clinical testing. Allele origin: germline. Not counted in ClinVar's aggregate classification.
Comment: This sequence change replaces alanine, which is neutral and non-polar, with valine, which is neutral and non-polar, at codon 30 of the SLC6A8 protein (p.Ala30Val). The frequency data for this variant in the population databases is considered unreliable, as metrics indicate poor data quality at this position in the gnomAD database. This variant has not been reported in the literature in individuals affected with SLC6A8-related conditions. ClinVar contains an entry for this variant (Variation ID: 650071). Invitae Evidence Modeling of protein sequence and biophysical properties (such as structural, functional, and spatial information, amino acid conservation, physicochemical variation, residue mobility, and thermodynamic stability) indicates that this missense variant is not expected to disrupt SLC6A8 protein function with a negative predictive value of 95%. In summary, the available evidence is currently insufficient to determine the role of this variant in disease. Therefore, it has been classified as a Variant of Uncertain Significance.

Ambry Genetics
Classification: Uncertain significance for Inborn genetic diseases. Last evaluated: 2022-08-17. Review status: criteria provided, single submitter. Criteria: Ambry Variant Classification Scheme 2023. Collection method: clinical testing. Allele origin: germline. Not counted in ClinVar's aggregate classification.

Natera, Inc.
Classification: Uncertain significance for Creatine deficiency syndrome 1. Last evaluated: 2020-07-17. Review status: no assertion criteria provided. Collection method: clinical testing. Allele origin: germline. Not counted in ClinVar's aggregate classification.